The following is an entry in ClinVar:

ClinVar aggregate classification (germline): Uncertain significance. Review status: criteria provided, multiple submitters, no conflicts (2 of 4 stars). 4 submissions from 4 submitters: Uncertain significance (4). Last evaluated 2025-12-17.

Conditions:
Usher syndrome type 3B. Also called: USHER SYNDROME, TYPE IIIB. Identifiers: MedGen C3281066, MONDO:0013788, OMIM 614504.
Charcot-Marie-Tooth disease. Also called: Charcot-Marie-Tooth Neuropathy; Charcot-Marie-Tooth Hereditary Neuropathy. Identifiers: Orphanet 166, MedGen C0007959, MONDO:0015626.

Allele frequency attached by ClinVar (database versions not stated): gnomAD exomes below 0.00001 and 0.00001; TOPMed below 0.00001; ExAC 0.00001; gnomAD 0.00001.

Submissions (4):

Labcorp Genetics (formerly Invitae), Labcorp
Classification: Uncertain significance for Usher syndrome type 3B. Last evaluated: 2025-12-17. Review status: criteria provided, single submitter. Criteria: Invitae Variant Classification Sherloc (09022015). Collection method: clinical testing. Allele origin: germline.
Comment: This sequence change replaces valine, which is neutral and non-polar, with methionine, which is neutral and non-polar, at codon 386 of the HARS protein (p.Val386Met). This variant is present in population databases (rs766493535, gnomAD 0.003%). This variant has not been reported in the literature in individuals affected with HARS-related conditions. ClinVar contains an entry for this variant (Variation ID: 866457). Invitae Evidence Modeling of protein sequence and biophysical properties (such as structural, functional, and spatial information, amino acid conservation, physicochemical variation, residue mobility, and thermodynamic stability) indicates that this missense variant is not expected to disrupt HARS protein function with a negative predictive value of 80%. In summary, the available evidence is currently insufficient to determine the role of this variant in disease. Therefore, it has been classified as a Variant of Uncertain Significance.

Molecular Genetics, Royal Melbourne Hospital
Classification: Uncertain significance for Charcot-Marie-Tooth disease. Last evaluated: 2022-10-06. Review status: criteria provided, single submitter. Criteria: ACMG Guidelines, 2015. Collection method: clinical testing. Allele origin: germline. Affected: yes.
Comment: This sequence change in HARS1 is predicted to replace valine with methionine at codon 386, p.(Val386Met). The valine residue is moderately conserved (100 vertebrates, UCSC), and is located in the AA tRNA ligase II domain. There is a small physicochemical difference between valine and methionine. The highest population minor allele frequency in the population database gnomAD v2.1 is 0.003% (3/113,658 alleles) in the European (non-Finnish) population. To our knowledge, this variant has not been reported in the literature in any individuals with HARS1-related disease. The variant has been reported as a variant of uncertain significance (ClinVar ID: 866457). Multiple lines of computational evidence have conflicting predictions for the missense substitution (4/6 algorithms predict deleterious). Based on the classification scheme RMH Modified ACMG Guidelines v1.5.1, this variant is classified as a VARIANT OF UNCERTAIN SIGNIFICANCE. Following criteria are met: none.

GeneDx
Classification: Uncertain significance. Last evaluated: 2021-12-23. Review status: criteria provided, single submitter. Criteria: GeneDx Variant Classification Process June 2021. Collection method: clinical testing. Allele origin: germline. Affected: yes.
Comment: In silico analysis supports that this missense variant has a deleterious effect on protein structure/function; Has not been previously published as pathogenic or benign to our knowledge

Blueprint Genetics
Classification: Uncertain significance. Last evaluated: 2019-09-18. Review status: criteria provided, single submitter. Criteria: ACMG Guidelines, 2015. Collection method: clinical testing. Allele origin: germline.

NM_002109.6(HARS1):c.1156G>A (p.Val386Met)

Gene: HARS1 (histidyl-tRNA synthetase 1; minus strand). Cytogenetic location: 5q31.3.
Variant type: single nucleotide variant.
Coding change: c.1156G>A on transcript NM_002109.6 (MANE Select); coding-DNA position 1156, G replaced by A.
Protein change: p.Val386Met; replaces valine 386 with methionine.
Molecular consequence: missense variant.
Genome position (GRCh38, 1-based): chr5:140,676,692, C>T on the plus strand (G>A on the coding strand, the complement: HARS1 is on the minus strand). VCF-style: chr5-140676692-C-T. GRCh37 (hg19) VCF-style: chr5-140056277-C-T.
Other names: c.1036G>A, p.Val346Met (NM_001258040.3); c.1096G>A, p.Val366Met (NM_001258041.3); c.976G>A, p.Val326Met (NM_001258042.3); c.934G>A, p.Val312Met (NM_001289092.2); c.814G>A, p.Val272Met (NM_001289093.2); c.1069G>A, p.Val357Met (NM_001289094.2); short protein forms V326M, V366M, V346M, V357M, V312M, V272M, V386M.
Identifiers: ClinVar variation 866457 (VCV000866457.12), dbSNP rs766493535, ClinGen allele CA3443909.